The following is an entry in ClinVar:

ClinVar aggregate classification (germline): Uncertain significance (1 of 4 stars; one submission).

Allele frequency attached by ClinVar (database versions not stated): ExAC 0.00002; gnomAD 0.00002; gnomAD exomes 0.00002; TOPMed 0.00002; ESP Exome Variant Server 0.00008.
gnomAD v4.1: 40 of 1,614,124 alleles (0.0025%); highest among the groups gnomAD compares: South Asian, 0.0055%; no homozygotes.

Submission:

Mayo Clinic Laboratories, Mayo Clinic
Classification: Uncertain significance. Last evaluated: 2023-02-06. Review status: criteria provided, single submitter. Criteria: ACMG Guidelines, 2015. Collection method: clinical testing. Allele origin: germline. Observed: 1 variant allele.
Comment: BP4

NM_005559.4(LAMA1):c.5839C>T (p.Arg1947Cys)

Gene: LAMA1 (laminin subunit alpha 1; minus strand). Cytogenetic location: 18p11.31.
Variant type: single nucleotide variant.
Coding change: c.5839C>T on transcript NM_005559.4 (MANE Select); coding-DNA position 5839, C replaced by T.
Protein change: p.Arg1947Cys; replaces arginine 1947 with cysteine.
Molecular consequence: missense variant.
Genome position (GRCh38, 1-based): chr18:6,982,548, G>A on the plus strand (C>T on the coding strand, the complement: LAMA1 is on the minus strand). VCF-style: chr18-6982548-G-A. GRCh37 (hg19) VCF-style: chr18-6982547-G-A.
Other names: p.Arg1947Cys; short protein forms R1947C.
Identifiers: ClinVar variation 2683446 (VCV002683446.1), dbSNP rs370249336, ClinGen allele CA8881453.